The following is an entry in ClinVar:

NM_014009.4(FOXP3):c.736_737inv (p.Leu246Arg)

Gene: FOXP3 (forkhead box P3; minus strand). Cytogenetic location: Xp11.23.
Variant type: Inversion.
Coding change: c.736_737inv on transcript NM_014009.4 (MANE Select).
Protein change: p.Leu246Arg; replaces leucine 246 with arginine.
Molecular consequence: missense variant.
Genome position: GRCh38 VCF-style: chrX-49255508-AG-CT. GRCh37 (hg19) VCF-style: chrX-49111969-AG-CT.
Other names: c.631_632inv, p.Leu211Arg (NM_001114377.2); short protein forms L246R, L211R.
Identifiers: ClinVar variation 2981576 (VCV002981576.3), ClinGen allele CA2740092151.

ClinVar aggregate classification (germline): Uncertain significance (1 of 4 stars; one submission).

Conditions:
Insulin-dependent diabetes mellitus secretory diarrhea syndrome (IPEX). Also called: Immune dysregulation-polyendocrinopathy-enteropathy-X-linked syndrome; Immunodysregulation, polyendocrinopathy, and enteropathy, X-linked; IPEX and IPEX-Like; DIABETES MELLITUS, CONGENITAL INSULIN-DEPENDENT, WITH FATAL SECRETORY DIARRHEA; DIARRHEA, POLYENDOCRINOPATHY, FATAL INFECTION SYNDROME, X-LINKED; ENTEROPATHY, AUTOIMMUNE, WITH HEMOLYTIC ANEMIA AND POLYENDOCRINOPATHY. Identifiers: Orphanet 37042, MedGen C0342288, MONDO:0010580, OMIM 304790. Disease mechanism: loss of function.

Submission:

Labcorp Genetics (formerly Invitae), Labcorp
Classification: Uncertain significance for Insulin-dependent diabetes mellitus secretory diarrhea syndrome. Last evaluated: 2024-04-06. Review status: criteria provided, single submitter. Criteria: Invitae Variant Classification Sherloc (09022015). Collection method: clinical testing. Allele origin: germline.
Comment: This sequence change replaces leucine, which is neutral and non-polar, with arginine, which is basic and polar, at codon 246 of the FOXP3 protein (p.Leu246Arg). Information on the frequency of this variant in the gnomAD database is not available, as this variant may be reported differently in the database. This variant has not been reported in the literature in individuals affected with FOXP3-related conditions. An algorithm developed to predict the effect of missense changes on protein structure and function (PolyPhen-2) suggests that this variant is likely to be disruptive. In summary, the available evidence is currently insufficient to determine the role of this variant in disease. Therefore, it has been classified as a Variant of Uncertain Significance.